The following is an entry in ClinVar:

ClinVar aggregate classification (germline): Pathogenic/Likely pathogenic. Review status: criteria provided, multiple submitters, no conflicts (2 of 4 stars). 2 submissions from 2 submitters: Pathogenic (1); Likely pathogenic (1). Last evaluated 2024-02-17.

Conditions:
Spastic paraplegia. Identifiers: MedGen C0037772, HP:0001258.
Hereditary spastic paraplegia 15 (SPG15). Also called: SPASTIC PARAPLEGIA AND RETINAL DEGENERATION; SPASTIC PARAPLEGIA 15, AUTOSOMAL RECESSIVE; KJELLIN SYNDROME. Identifiers: Orphanet 100996, MedGen C1849128, MONDO:0010044, OMIM 270700.

Submissions (2):

Labcorp Genetics (formerly Invitae), Labcorp
Classification: Pathogenic for Spastic paraplegia. Last evaluated: 2024-02-17. Review status: criteria provided, single submitter. Criteria: Invitae Variant Classification Sherloc (09022015). Collection method: clinical testing. Allele origin: germline.
Comment: This sequence change creates a premature translational stop signal (p.Phe1366Argfs*23) in the ZFYVE26 gene. It is expected to result in an absent or disrupted protein product. Loss-of-function variants in ZFYVE26 are known to be pathogenic (PMID: 18394578, 19805727). This variant is not present in population databases (gnomAD no frequency). This variant has not been reported in the literature in individuals affected with ZFYVE26-related conditions. ClinVar contains an entry for this variant (Variation ID: 848122). For these reasons, this variant has been classified as Pathogenic.

Revvity Omics, Revvity
Classification: Likely pathogenic for Hereditary spastic paraplegia 15. Last evaluated: 2022-04-14. Review status: criteria provided, single submitter. Criteria: ACMG Guidelines, 2015. Collection method: clinical testing. Allele origin: germline.

Literature cited by the submitters: PubMed 18394578 (cited by Labcorp Genetics (formerly Invitae), Labcorp); PubMed 19805727 (cited by Labcorp Genetics (formerly Invitae), Labcorp).

NM_015346.4(ZFYVE26):c.4096_4099del (p.Phe1366fs)

Gene: ZFYVE26 (zinc finger FYVE-type containing 26; minus strand). Cytogenetic location: 14q24.1.
Variant type: Deletion.
Coding change: c.4096_4099del on transcript NM_015346.4 (MANE Select); coding-DNA positions 4096 to 4099, 4 bases deleted (TTTG; older notation c.4096_4099delTTTG).
Protein change: p.Phe1366fs; shifts the reading frame from phenylalanine 1366.
Molecular consequence: frameshift variant.
Genome position (GRCh38, 1-based): chr14:67,783,053-67,783,056, CAAA deleted on the plus strand (TTTG on the coding strand, the reverse complement: ZFYVE26 is on the minus strand); deleting any 4 consecutive bases within chr14:67,783,053-67,783,058 gives the same sequence; the c. name uses the placement nearest the transcript's 3' end. VCF-style (leftmost placement, unchanged base first): chr14-67783052-TCAAA-T. GRCh37 (hg19) VCF-style: chr14-68249769-TCAAA-T.
Other names: short protein forms F1366fs.
Identifiers: ClinVar variation 848122 (VCV000848122.10), dbSNP rs774867891, ClinGen allele CA262848802.